The following is an entry in ClinVar:

NM_001005361.3(DNM2):c.1384A>G (p.Thr462Ala)

Gene: DNM2 (dynamin 2; plus strand). Cytogenetic location: 19p13.2.
Variant type: single nucleotide variant.
Coding change: c.1384A>G on transcript NM_001005361.3 (MANE Select); coding-DNA position 1384, A replaced by G.
Protein change: p.Thr462Ala; replaces threonine 462 with alanine.
Molecular consequence: missense variant.
Genome position (GRCh38, 1-based): chr19:10,798,534, A>G. VCF-style: chr19-10798534-A-G. GRCh37 (hg19) VCF-style: chr19-10909210-A-G.
Other names: c.1384A>G, p.Thr462Ala (NM_001005360.3, NM_001005362.3, NM_001190716.2 and 1 more transcripts); short protein forms T462A.
Identifiers: ClinVar variation 327980 (VCV000327980.22), dbSNP rs201575500, ClinGen allele CA9201134.

ClinVar aggregate classification (germline): Conflicting classifications of pathogenicity. Review status: criteria provided, conflicting classifications (1 of 4 stars). 8 submissions from 7 submitters: Uncertain significance (3); Benign (2); Likely benign (3). Last evaluated 2026-04-20.

Conditions:
Inborn genetic diseases. Identifiers: MedGen C0950123, MeSH D030342.
Charcot-Marie-Tooth disease dominant intermediate B (CMTDIB). Also called: CHARCOT-MARIE-TOOTH NEUROPATHY, DOMINANT INTERMEDIATE B; Charcot-Marie-Tooth disease dominant intermediate 1; CMT DI1; Charcot-Marie-Tooth disease dominant intermediate I. Identifiers: Orphanet 100044, Orphanet 228179, MedGen C1847902, MONDO:0011674, OMIM 606482.
Autosomal dominant centronuclear myopathy. Also called: Myopathy, centronuclear, 3; MYOTUBULAR MYOPATHY, AUTOSOMAL DOMINANT. Identifiers: Orphanet 169189, MedGen C4551952, MeSH D020914, MONDO:0008048, OMIM 160150.
DNM2-related disorder. Also called: DNM2-related condition.

Allele frequency attached by ClinVar (database versions not stated): gnomAD 0.00011 and 0.00013; TOPMed 0.00011; gnomAD exomes 0.00014 and 0.00023; ExAC 0.00022.
gnomAD v4.1: 228 of 1,613,852 alleles (0.014%); highest among the groups gnomAD compares: Middle Eastern, 0.066%; no homozygotes.

Submissions (8):

PreventionGenetics, part of Exact Sciences
Classification: Uncertain significance for DNM2-related condition. Last evaluated: 2026-04-20. Review status: criteria provided, single submitter. Criteria: ACMG Guidelines, 2015. Collection method: clinical testing. Allele origin: germline.
Comment: The DNM2 c.1384A>G variant is predicted to result in the amino acid substitution p.Thr462Ala. This variant has been reported as heterozygous in an individual with a congenital myopathy, who also had variants in the COL6A1 and MYH7 genes (Table 2, Savarese et al. 2014. PubMed ID: 25214167). This variant is reported in 0.049% of alleles in individuals of South Asian descent in gnomAD, which is likely too common to be a primary cause of disease. Although we suspect this variant may be benign, at this time, the clinical significance of this variant is uncertain due to the absence of conclusive functional and genetic evidence.

Labcorp Genetics (formerly Invitae), Labcorp
Classification: Likely benign for Charcot-Marie-Tooth disease dominant intermediate B. Last evaluated: 2026-02-03. Review status: criteria provided, single submitter. Criteria: Invitae Variant Classification Sherloc (09022015). Collection method: clinical testing. Allele origin: germline.

Revvity Omics, Revvity
Classification: Uncertain significance. Last evaluated: 2023-09-06. Review status: criteria provided, single submitter. Criteria: ACMG Guidelines, 2015. Collection method: clinical testing. Allele origin: germline.

Athena Diagnostics
Classification: Benign. Last evaluated: 2020-03-23. Review status: criteria provided, single submitter. Criteria: Athena Diagnostics Criteria. Collection method: clinical testing. Allele origin: unknown.

Ambry Genetics
Classification: Likely benign for Inborn genetic diseases. Last evaluated: 2020-02-20. Review status: criteria provided, single submitter. Criteria: Ambry Variant Classification Scheme 2023. Collection method: clinical testing. Allele origin: germline.

Illumina Laboratory Services, Illumina
Classification: Benign for Charcot-Marie-Tooth disease dominant intermediate B. Last evaluated: 2018-01-13. Review status: criteria provided, single submitter. Criteria: ICSL Variant Classification Criteria 13 December 2019. Collection method: clinical testing. Allele origin: germline.
Comment: This variant was observed in the ICSL laboratory as part of a predisposition screen in an ostensibly healthy population. It had not been previously curated by ICSL or reported in the Human Gene Mutation Database (HGMD: prior to June 1st, 2018), and was therefore a candidate for classification through an automated scoring system. Utilizing variant allele frequency, disease prevalence and penetrance estimates, and inheritance mode, an automated score was calculated to assess if this variant is too frequent to cause the disease. Based on the score and internal cut-off values, a variant classified as benign is not then subjected to further curation. The score for this variant resulted in a classification of benign for this disease.

Illumina Laboratory Services, Illumina
Classification: Likely benign for Autosomal dominant centronuclear myopathy. Last evaluated: 2018-01-13. Review status: criteria provided, single submitter. Criteria: ICSL Variant Classification Criteria 13 December 2019. Collection method: clinical testing. Allele origin: germline.
Comment: This variant was observed in the ICSL laboratory as part of a predisposition screen in an ostensibly healthy population. It had not been previously curated by ICSL or reported in the Human Gene Mutation Database (HGMD: prior to June 1st, 2018), and was therefore a candidate for classification through an automated scoring system. Utilizing variant allele frequency, disease prevalence and penetrance estimates, and inheritance mode, an automated score was calculated to assess if this variant is too frequent to cause the disease. Based on the score and internal cut-off values, a variant classified as likely benign is not then subjected to further curation. The score for this variant resulted in a classification of likely benign for this disease.

GeneDx
Classification: Uncertain significance. Last evaluated: 2017-04-04. Review status: criteria provided, single submitter. Criteria: GeneDx Variant Classification (06012015). Collection method: clinical testing. Allele origin: germline. Affected: yes.
Comment: The T462A variant has been previously reported as a variant of unknown significance in an individual with congenital myopathy who harbored additional variants in other neuromuscular-related genes (Savarese et al., 2014). The T462A variant is observed in 19/66618 (0.03%) alleles from individuals of European background (Lek et al., 2016; 1000 Genomes Consortium et al., 2015; Exome Variant Server). This variant is a non-conservative amino acid substitution, which is likely to impact secondary protein structure as these residues differ in polarity, charge, size and/or other properties. This substitution occurs at a position that is conserved across species, and missense variant in a nearby residue (R465W) has been reported in the Human Gene Mutation Database in association with centronuclear myopathy (Stenson et al., 2014). In silico analysis predicts this variant is probably damaging to the protein structure/function.

Literature cited by the submitters: PubMed 25214167 (cited by Athena Diagnostics).